The following is an entry in ClinVar:

ClinVar aggregate classification (germline): Uncertain significance (1 of 4 stars; one submission).

Conditions:
Methylmalonic acidemia due to transcobalamin receptor defect (MATR). Also called: METHYLMALONIC ACIDURIA, TRANSIENT, DUE TO TRANSCOBALAMIN RECEPTOR DEFECT; METHYLMALONIC ACIDEMIA, TCblR TYPE. Identifiers: Orphanet 280183, MedGen C4749905, MONDO:0013341, OMIM 613646.

Submission:

Labcorp Genetics (formerly Invitae), Labcorp
Classification: Uncertain significance for Methylmalonic acidemia due to transcobalamin receptor defect. Last evaluated: 2023-05-04. Review status: criteria provided, single submitter. Criteria: Invitae Variant Classification Sherloc (09022015). Collection method: clinical testing. Allele origin: germline.
Comment: In summary, the available evidence is currently insufficient to determine the role of this variant in disease. Therefore, it has been classified as a Variant of Uncertain Significance. Variants that disrupt the consensus splice site are a relatively common cause of aberrant splicing (PMID: 17576681, 9536098). Algorithms developed to predict the effect of sequence changes on RNA splicing suggest that this variant may disrupt the consensus splice site. This variant has not been reported in the literature in individuals affected with CD320-related conditions. This variant is not present in population databases (gnomAD no frequency). This sequence change falls in intron 2 of the CD320 gene. It does not directly change the encoded amino acid sequence of the CD320 protein. It affects a nucleotide within the consensus splice site.

Literature cited by the submitters: PubMed 17576681; PubMed 9536098.

NM_016579.4(CD320):c.268+4A>C

Gene: CD320 (CD320 molecule; minus strand). Cytogenetic location: 19p13.2.
Variant type: single nucleotide variant.
Coding change: c.268+4A>C on transcript NM_016579.4 (MANE Select); 4 bases into the intron after coding-DNA position 268, A replaced by C.
Molecular consequence: intron variant.
Genome position (GRCh38, 1-based): chr19:8,305,027, T>G on the plus strand (A>C on the coding strand, the complement: CD320 is on the minus strand). VCF-style: chr19-8305027-T-G. GRCh37 (hg19) VCF-style: chr19-8369911-T-G.
Other names: c.143-939A>C (NM_001165895.2).
Identifiers: ClinVar variation 2858462 (VCV002858462.3), dbSNP rs2512598523, ClinGen allele CA2739276422.